The following is an entry in ClinVar:

NM_004958.4(MTOR):c.6069G>A (p.Trp2023Ter)

Gene: MTOR (mechanistic target of rapamycin kinase; minus strand). Cytogenetic location: 1p36.22.
Variant type: single nucleotide variant.
Coding change: c.6069G>A on transcript NM_004958.4 (MANE Select); coding-DNA position 6069, G replaced by A.
Protein change: p.Trp2023Ter; replaces tryptophan 2023 with a stop codon.
Molecular consequence: nonsense.
Genome position (GRCh38, 1-based): chr1:11,127,771, C>T on the plus strand (G>A on the coding strand, the complement: MTOR is on the minus strand). VCF-style: chr1-11127771-C-T. GRCh37 (hg19) VCF-style: chr1-11187828-C-T.
Other names: c.6069G>A, p.Trp2023Ter (NM_001386500.1); c.4821G>A, p.Trp1607Ter (NM_001386501.1); short protein forms W1607*, W2023*.
Identifiers: ClinVar variation 4992360 (VCV004992360.1).

ClinVar aggregate classification (germline): Uncertain significance (1 of 4 stars; one submission).

Conditions:
MTOR-related disorder. Also called: MTOR-related condition.

Submission:

PreventionGenetics, part of Exact Sciences
Classification: Uncertain significance for MTOR-related condition. Last evaluated: 2025-12-11. Review status: criteria provided, single submitter. Criteria: ACMG Guidelines, 2015. Collection method: clinical testing. Allele origin: germline.
Comment: The MTOR c.6069G>A variant is predicted to result in premature protein termination (p.Trp2023*). To our knowledge, this variant has not been reported in the literature or in a large population database (gnomAD), indicating this variant is rare. Loss of function is not an established mechanism of MTOR-related disease. Although we suspect that this variant may be pathogenic, at this time, the clinical significance of this variant is uncertain due to the absence of conclusive functional and genetic evidence.